The following is an entry in ClinVar:

NM_054012.4(ASS1):c.271A>C (p.Thr91Pro)

Gene: ASS1 (argininosuccinate synthase 1; plus strand). Cytogenetic location: 9q34.11.
Variant type: single nucleotide variant.
Coding change: c.271A>C on transcript NM_054012.4 (MANE Select); coding-DNA position 271, A replaced by C.
Protein change: p.Thr91Pro; replaces threonine 91 with proline.
Molecular consequence: missense variant.
Genome position (GRCh38, 1-based): chr9:130,458,497, A>C. VCF-style: chr9-130458497-A-C. GRCh37 (hg19) VCF-style: chr9-133333884-A-C.
Other names: c.271A>C, p.Thr91Pro (NM_000050.4); short protein forms T91P.
Identifiers: ClinVar variation 2136821 (VCV002136821.7), dbSNP rs769018733, ClinGen allele CA5283213.
Genomic context (GRCh38, chr9:130,458,497, plus strand): 5'-GAGTTCATCTGGCCGGCCATCCAGTCCAGCGCACTGTATGAGGACCGCTACCTCCTGGGC[A>C]CCTCTCTTGCCAGGCCCTGCATCGCCCGCAAACAAGTGGAAATCGCCCAGCGGGAGGGGG-3'
Protein context (NP_446464.1, residues 81-101): ALYEDRYLLG[Thr91Pro]SLARPCIARK

ClinVar aggregate classification (germline): Pathogenic. Review status: criteria provided, multiple submitters, no conflicts (2 of 4 stars). 4 submissions from 4 submitters: Pathogenic (4). Last evaluated 2024-04-16.

Conditions:
Citrullinemia. Identifiers: Orphanet 187, MedGen C0175683, MONDO:0015991.
Citrullinemia type I (CTNL1). Also called: ASS DEFICIENCY; argininosuccinate synthetase deficiency. Identifiers: Orphanet 247525, MedGen C4721769, MONDO:0008988, OMIM 215700.

Allele frequency attached by ClinVar (database versions not stated): TOPMed below 0.00001; gnomAD exomes 0.00001; ExAC 0.00003.
gnomAD v4.1: 12 of 1,612,732 alleles (0.00074%); highest among the groups gnomAD compares: South Asian, 0.013%; no homozygotes.

Submissions (4):

Fulgent Genetics
Classification: Pathogenic for Citrullinemia type I. Last evaluated: 2024-04-16. Review status: criteria provided, single submitter. Criteria: ACMG Guidelines, 2015. Collection method: clinical testing. Allele origin: germline.

Women's Health and Genetics/Laboratory Corporation of America, LabCorp
Classification: Pathogenic for Citrullinemia. Last evaluated: 2024-04-05. Review status: criteria provided, single submitter. Criteria: LabCorp Variant Classification Summary - May 2015. Collection method: clinical testing. Allele origin: germline.
Comment: Variant summary: ASS1 c.271A>C (p.Thr91Pro) results in a non-conservative amino acid change located in the Arginosuccinate synthase-like, N-terminal domain (IPR048267) of the encoded protein sequence. Five of five in-silico tools predict a damaging effect of the variant on protein function. The variant allele was found at a frequency of 2.8e-05 in 250734 control chromosomes (gnomAD). c.271A>C has been reported in the literature in individuals affected with Citrullinemia Type I (e.g. Miller_2014, Diez-Fernandez_2016). These data indicate that the variant is likely to be associated with disease. Publications report experimental evidence evaluating an impact on protein function (Diez-Fernandez_2016, Zielonka_2019), finding that the variant results in <10% of normal enzymatic activity. The following publications have been ascertained in the context of this evaluation (PMID: 24889030, 27287393, 31469252). ClinVar contains an entry for this variant (Variation ID: 2136821). Based on the evidence outlined above, the variant was classified as pathogenic.

Labcorp Genetics (formerly Invitae), Labcorp
Classification: Pathogenic for Citrullinemia. Last evaluated: 2023-02-04. Review status: criteria provided, single submitter. Criteria: Invitae Variant Classification Sherloc (09022015). Collection method: clinical testing. Allele origin: germline.
Comment: Experimental studies have shown that this missense change affects ASS1 function (PMID: 27287393, 31469252). For these reasons, this variant has been classified as Pathogenic. Advanced modeling of protein sequence and biophysical properties (such as structural, functional, and spatial information, amino acid conservation, physicochemical variation, residue mobility, and thermodynamic stability) performed at Invitae indicates that this missense variant is expected to disrupt ASS1 protein function. This missense change has been observed in individual(s) with Citrullinemia type 1 (PMID: 24889030, 27287393, 31469252; Invitae). This variant is present in population databases (rs769018733, gnomAD 0.02%). This sequence change replaces threonine, which is neutral and polar, with proline, which is neutral and non-polar, at codon 91 of the ASS1 protein (p.Thr91Pro).

Baylor Genetics
Classification: Pathogenic for Citrullinemia type I. Last evaluated: 2023-02-01. Review status: criteria provided, single submitter. Criteria: ACMG Guidelines, 2015. Collection method: clinical testing. Allele origin: unknown.

Literature cited by the submitters: PubMed 27287393 (cited by Women's Health and Genetics/Laboratory Corporation of America, LabCorp and Labcorp Genetics (formerly Invitae), Labcorp); PubMed 31469252 (cited by Women's Health and Genetics/Laboratory Corporation of America, LabCorp and Labcorp Genetics (formerly Invitae), Labcorp); PubMed 24889030 (cited by Women's Health and Genetics/Laboratory Corporation of America, LabCorp and Labcorp Genetics (formerly Invitae), Labcorp).